The following is an entry in ClinVar:

ClinVar aggregate classification (germline): Uncertain significance (1 of 4 stars; one submission).

Conditions:
Epileptic encephalopathy. Identifiers: MedGen C0543888, HP:0200134.

Allele frequency attached by ClinVar (database versions not stated): gnomAD exomes below 0.00001; gnomAD 0.00001.
gnomAD v4.1: 4 of 1,598,924 alleles (0.00025%); highest among the groups gnomAD compares: Non-Finnish European, 0.00034%; no homozygotes.

Submission:

Labcorp Genetics (formerly Invitae), Labcorp
Classification: Uncertain significance for Epileptic encephalopathy. Last evaluated: 2020-05-06. Review status: criteria provided, single submitter. Criteria: Invitae Variant Classification Sherloc (09022015). Collection method: clinical testing. Allele origin: germline.
Comment: In summary, the available evidence is currently insufficient to determine the role of this variant in disease. Therefore, it has been classified as a Variant of Uncertain Significance. Algorithms developed to predict the effect of missense changes on protein structure and function are either unavailable or do not agree on the potential impact of this missense change (SIFT: "Deleterious"; PolyPhen-2: "Possibly Damaging"; Align-GVGD: "Class C0"). This variant has not been reported in the literature in individuals with RYR3-related conditions. This variant is not present in population databases (ExAC no frequency). This sequence change replaces proline with alanine at codon 60 of the RYR3 protein (p.Pro60Ala). The proline residue is highly conserved and there is a small physicochemical difference between proline and alanine.

NM_001036.6(RYR3):c.178C>G (p.Pro60Ala)

Gene: RYR3 (ryanodine receptor 3; plus strand). Cytogenetic location: 15q14.
Variant type: single nucleotide variant.
Coding change: c.178C>G on transcript NM_001036.6 (MANE Select); coding-DNA position 178, C replaced by G.
Protein change: p.Pro60Ala; replaces proline 60 with alanine.
Molecular consequence: missense variant.
Genome position (GRCh38, 1-based): chr15:33,503,637, C>G. VCF-style: chr15-33503637-C-G. GRCh37 (hg19) VCF-style: chr15-33795838-C-G.
Other names: c.178C>G, p.Pro60Ala (NM_001243996.4); short protein forms P60A.
Identifiers: ClinVar variation 1062277 (VCV001062277.9), dbSNP rs1395303451, ClinGen allele CA391567016.